The following is an entry in ClinVar:

NM_001191055.2(ERVV-2):c.110C>T (p.Ser37Leu)

Gene: ERVV-2 (endogenous retrovirus group V member 2, envelope; plus strand). Cytogenetic location: 19q13.41.
Variant type: single nucleotide variant.
Coding change: c.110C>T on transcript NM_001191055.2 (MANE Select); coding-DNA position 110, C replaced by T.
Protein change: p.Ser37Leu; replaces serine 37 with leucine.
Molecular consequence: missense variant.
Genome position (GRCh38, 1-based): chr19:53,049,361, C>T. VCF-style: chr19-53049361-C-T. GRCh37 (hg19) VCF-style: chr19-53552614-C-T.
Other names: short protein forms S37L.
Identifiers: ClinVar variation 3388444 (VCV003388444.14).

ClinVar aggregate classification (germline): Likely benign (1 of 4 stars; one submission).

gnomAD v4.1: 3,370 of 891,972 alleles (0.38%); highest among the groups gnomAD compares: Non-Finnish European, 0.4%; 13 homozygotes.

Submission:

CeGaT Center for Human Genetics Tuebingen
Classification: Likely benign. Last evaluated: 2026-06-01. Review status: criteria provided, single submitter. Criteria: CeGaT Center For Human Genetics Tuebingen Variant Classification Criteria Version 2. Collection method: clinical testing. Allele origin: germline. Affected: yes. Observed: 3 variant alleles.
Comment: ERVV-2: BP4, BS2